The following is an entry in ClinVar:

NM_002834.5(PTPN11):c.1027C>T (p.Arg343Trp)

Gene: PTPN11 (protein tyrosine phosphatase non-receptor type 11; plus strand). Cytogenetic location: 12q24.13.
Variant type: single nucleotide variant.
Coding change: c.1027C>T on transcript NM_002834.5 (MANE Select); coding-DNA position 1027, C replaced by T.
Protein change: p.Arg343Trp; replaces arginine 343 with tryptophan.
Molecular consequence: missense variant.
Genome position (GRCh38, 1-based): chr12:112,477,950, C>T. VCF-style: chr12-112477950-C-T. GRCh37 (hg19) VCF-style: chr12-112915754-C-T.
Other names: c.1027C>T, p.Arg343Trp (NM_001330437.2, NM_080601.3); c.1024C>T, p.Arg342Trp (NM_001374625.1); c.1027C>T (NM_002834.4); short protein forms R343W, R342W.
Identifiers: ClinVar variation 520295 (VCV000520295.10), dbSNP rs1373621596, ClinGen allele CA386791486.

ClinVar aggregate classification (germline): Uncertain significance. Review status: criteria provided, multiple submitters, no conflicts (2 of 4 stars). 3 submissions from 3 submitters: Uncertain significance (3). Last evaluated 2026-07-28.

Conditions:
PTPN11-related disorder. Also called: PTPN11-Related Disorders.
Cardiovascular phenotype. Identifiers: MedGen CN230736.
RASopathy. Also called: rasopathies; Noonan spectrum disorder. Identifiers: Orphanet 536391, MedGen C5555857, MONDO:0021060.

gnomAD v4.1: 2 of 1,614,018 alleles (0.00012%); no homozygotes.

Submissions (3):

Ambry Genetics
Classification: Uncertain significance for Cardiovascular phenotype. Last evaluated: 2026-07-28. Review status: criteria provided, single submitter. Criteria: Ambry Variant Classification Scheme 2023. Collection method: clinical testing. Allele origin: germline.

PreventionGenetics, part of Exact Sciences
Classification: Uncertain significance for PTPN11-related condition. Last evaluated: 2025-10-08. Review status: criteria provided, single submitter. Criteria: ACMG Guidelines, 2015. Collection method: clinical testing. Allele origin: germline.
Comment: The PTPN11 c.1027C>T variant is predicted to result in the amino acid substitution p.Arg343Trp. To our knowledge, this variant has not been reported in the literature or in a large population database (gnomAD), indicating this variant is rare. At this time, the clinical significance of this variant is uncertain due to the absence of conclusive functional and genetic evidence.

Labcorp Genetics (formerly Invitae), Labcorp
Classification: Uncertain significance for RASopathy. Last evaluated: 2023-06-02. Review status: criteria provided, single submitter. Criteria: Invitae Variant Classification Sherloc (09022015). Collection method: clinical testing. Allele origin: germline.
Comment: ClinVar contains an entry for this variant (Variation ID: 520295). Advanced modeling of protein sequence and biophysical properties (such as structural, functional, and spatial information, amino acid conservation, physicochemical variation, residue mobility, and thermodynamic stability) performed at Invitae indicates that this missense variant is expected to disrupt PTPN11 protein function. In summary, the available evidence is currently insufficient to determine the role of this variant in disease. Therefore, it has been classified as a Variant of Uncertain Significance. This variant has not been reported in the literature in individuals affected with PTPN11-related conditions. This sequence change replaces arginine, which is basic and polar, with tryptophan, which is neutral and slightly polar, at codon 343 of the PTPN11 protein (p.Arg343Trp). This variant is not present in population databases (gnomAD no frequency).